The following is an entry in ClinVar:

NM_001040108.2(MLH3):c.4067T>C (p.Val1356Ala)

Gene: MLH3 (mutL homolog 3; minus strand). Cytogenetic location: 14q24.3.
Variant type: single nucleotide variant.
Coding change: c.4067T>C on transcript NM_001040108.2 (MANE Select); coding-DNA position 4067, T replaced by C.
Protein change: p.Val1356Ala; replaces valine 1356 with alanine.
Molecular consequence: missense variant.
Genome position (GRCh38, 1-based): chr14:75,022,837, A>G on the plus strand (T>C on the coding strand, the complement: MLH3 is on the minus strand). VCF-style: chr14-75022837-A-G. GRCh37 (hg19) VCF-style: chr14-75489540-A-G.
Other names: c.3995T>C, p.Val1332Ala (NM_014381.3); short protein forms V1332A, V1356A.
Identifiers: ClinVar variation 4860140 (VCV004860140.1).

ClinVar aggregate classification (germline): Uncertain significance (1 of 4 stars; one submission).

Submission:

Ambry Genetics
Classification: Uncertain significance. Last evaluated: 2026-05-30. Review status: criteria provided, single submitter. Criteria: Ambry Variant Classification Scheme 2023. Collection method: clinical testing. Allele origin: germline.
Comment: The p.V1356A variant (also known as c.4067T>C), located in coding exon 10 of the MLH3 gene, results from a T to C substitution at nucleotide position 4067. The valine at codon 1356 is replaced by alanine, an amino acid with similar properties. This amino acid position is conserved. In addition, the in silico prediction for this alteration is inconclusive. Based on the available evidence, the clinical significance of this variant remains unclear.